The following is an entry in ClinVar:

NM_000137.4(FAH):c.178G>A (p.Asp60Asn)

Gene: FAH (fumarylacetoacetate hydrolase; plus strand). Cytogenetic location: 15q25.1.
Variant type: single nucleotide variant.
Coding change: c.178G>A on transcript NM_000137.4 (MANE Select); coding-DNA position 178, G replaced by A.
Protein change: p.Asp60Asn; replaces aspartic acid 60 with asparagine.
Molecular consequence: missense variant.
Genome position (GRCh38, 1-based): chr15:80,158,156, G>A. VCF-style: chr15-80158156-G-A. GRCh37 (hg19) VCF-style: chr15-80450498-G-A.
Other names: c.178G>A, p.Asp60Asn (NM_001374377.1, NM_001374380.1); short protein forms D60N.
Identifiers: ClinVar variation 5000545 (VCV005000545.1).

ClinVar aggregate classification (germline): Uncertain significance (1 of 4 stars; one submission).

Conditions:
FAH-related disorder. Also called: FAH-related condition.

Submission:

PreventionGenetics, part of Exact Sciences
Classification: Uncertain significance for FAH-related condition. Last evaluated: 2025-05-09. Review status: criteria provided, single submitter. Criteria: ACMG Guidelines, 2015. Collection method: clinical testing. Allele origin: germline.
Comment: The FAH c.178G>A variant is predicted to result in the amino acid substitution p.Asp60Asn. To our knowledge, this variant has not been reported in the literature or in a large population database (gnomAD), indicating this variant is rare. At this time, the clinical significance of this variant is uncertain due to the absence of conclusive functional and genetic evidence.